The following is an entry in ClinVar:

NM_172107.4(KCNQ2):c.379T>G (p.Tyr127Asp)

Gene: KCNQ2 (potassium voltage-gated channel subfamily Q member 2; minus strand). Cytogenetic location: 20q13.33.
Variant type: single nucleotide variant.
Coding change: c.379T>G on transcript NM_172107.4 (MANE Select); coding-DNA position 379, T replaced by G.
Protein change: p.Tyr127Asp; replaces tyrosine 127 with aspartic acid.
Molecular consequence: missense variant.
Genome position (GRCh38, 1-based): chr20:63,446,755, A>C on the plus strand (T>G on the coding strand, the complement: KCNQ2 is on the minus strand). VCF-style: chr20-63446755-A-C. GRCh37 (hg19) VCF-style: chr20-62078108-A-C.
Other names: c.379T>G, p.Tyr127Asp (NM_001382235.1, NM_004518.6, NM_172106.3 and 2 more transcripts); short protein forms Y127D.
Identifiers: ClinVar variation 2652535 (VCV002652535.24), dbSNP rs2516532723, ClinGen allele CA409656317.

ClinVar aggregate classification (germline): Likely pathogenic (1 of 4 stars; one submission).

Submission:

CeGaT Center for Human Genetics Tuebingen
Classification: Likely pathogenic. Last evaluated: 2023-10-01. Review status: criteria provided, single submitter. Criteria: CeGaT Center For Human Genetics Tuebingen Variant Classification Criteria Version 2. Collection method: clinical testing. Allele origin: germline. Affected: yes. Observed: 1 variant allele.
Comment: KCNQ2: PM2, PM5, PP2, PP3, PS4:Supporting